The following is an entry in ClinVar:

ClinVar aggregate classification (germline): Likely benign (1 of 4 stars; one submission).

Conditions:
SEMA3B-related disorder. Also called: SEMA3B-related condition.

gnomAD v4.1: 1 of 1,607,980 alleles (0.000062%); highest among the groups gnomAD compares: Non-Finnish European, 0.000085%; no homozygotes.

Submission:

PreventionGenetics, part of Exact Sciences
Classification: Likely benign for SEMA3B-related condition. Last evaluated: 2025-09-08. Review status: criteria provided, single submitter. Criteria: ACMG Guidelines, 2015. Collection method: clinical testing. Allele origin: germline.
Comment: This variant is classified as likely benign based on ACMG/AMP sequence variant interpretation guidelines (Richards et al. 2015 PMID: 25741868, with internal and published modifications).

NM_001290060.2(SEMA3B):c.189G>A (p.Glu63=)

Gene: SEMA3B (semaphorin 3B; plus strand). Cytogenetic location: 3p21.31.
Variant type: single nucleotide variant.
Coding change: c.189G>A on transcript NM_001290060.2 (MANE Select); coding-DNA position 189, G replaced by A.
Protein change: p.Glu63=; no amino-acid change (glutamic acid 63 retained).
Molecular consequence: synonymous variant.
Genome position (GRCh38, 1-based): chr3:50,270,206, G>A. VCF-style: chr3-50270206-G-A. GRCh37 (hg19) VCF-style: chr3-50307637-G-A.
Other names: c.189G>A, p.Glu63= (NM_001005914.3, NM_001290061.1, NM_001435956.1 and 3 more transcripts).
Identifiers: ClinVar variation 4995750 (VCV004995750.1).